The following is an entry in ClinVar:

NM_020921.4(NIN):c.6154A>G (p.Arg2052Gly)

Gene: NIN (ninein; minus strand). Cytogenetic location: 14q22.1.
Variant type: single nucleotide variant.
Coding change: c.6154A>G on transcript NM_020921.4 (MANE Select); coding-DNA position 6154, A replaced by G.
Protein change: p.Arg2052Gly; replaces arginine 2052 with glycine.
Molecular consequence: missense variant.
Genome position (GRCh38, 1-based): chr14:50,725,991, T>C on the plus strand (A>G on the coding strand, the complement: NIN is on the minus strand). VCF-style: chr14-50725991-T-C. GRCh37 (hg19) VCF-style: chr14-51192709-T-C.
Other names: c.4015A>G, p.Arg1339Gly (NM_016350.5); c.6154A>G, p.Arg2052Gly (NM_182946.2); c.6154A>G (NM_020921.3); short protein forms R1339G, R2052G.
Identifiers: ClinVar variation 2155125 (VCV002155125.22), dbSNP rs148630367, ClinGen allele CA7180980.

ClinVar aggregate classification (germline): Conflicting classifications of pathogenicity. Review status: criteria provided, conflicting classifications (1 of 4 stars). 4 submissions from 4 submitters: Uncertain significance (2); Likely benign (1). 1 of the submissions does not count toward it. Last evaluated 2025-10-01.

Conditions:
NIN-related disorder. Also called: NIN-related condition.

Allele frequency attached by ClinVar (database versions not stated): gnomAD exomes 0.00013; ESP Exome Variant Server 0.00023; gnomAD 0.00023; TOPMed 0.00024; ExAC 0.00026.
gnomAD v4.1: 244 of 1,614,032 alleles (0.015%); highest among the groups gnomAD compares: Admixed American, 0.022%; no homozygotes.

Submissions (4):

Labcorp Genetics (formerly Invitae), Labcorp
Classification: Likely benign. Last evaluated: 2025-10-01. Review status: criteria provided, single submitter. Criteria: Invitae Variant Classification Sherloc (09022015). Collection method: clinical testing. Allele origin: germline.

CeGaT Center for Human Genetics Tuebingen
Classification: Uncertain significance. Last evaluated: 2024-08-01. Review status: criteria provided, single submitter. Criteria: CeGaT Center For Human Genetics Tuebingen Variant Classification Criteria Version 2. Collection method: clinical testing. Allele origin: germline. Affected: yes. Observed: 1 variant allele.
Comment: NIN: PM2, BP4

Ambry Genetics
Classification: Uncertain significance. Last evaluated: 2022-05-25. Review status: criteria provided, single submitter. Criteria: Ambry Variant Classification Scheme 2023. Collection method: clinical testing. Allele origin: germline.

PreventionGenetics, part of Exact Sciences
Classification: Likely benign for NIN-related condition. Last evaluated: 2019-06-06. Review status: no assertion criteria provided. Collection method: clinical testing. Allele origin: germline. Not counted in ClinVar's aggregate classification.
Comment: This variant is classified as likely benign based on ACMG/AMP sequence variant interpretation guidelines (Richards et al. 2015 PMID: 25741868, with internal and published modifications).